The following is an entry in ClinVar:

NM_000051.4(ATM):c.1841G>A (p.Ser614Asn)

Gene: ATM (ATM serine/threonine kinase; plus strand). Cytogenetic location: 11q22.3.
Variant type: single nucleotide variant.
Coding change: c.1841G>A on transcript NM_000051.4 (MANE Select); coding-DNA position 1841, G replaced by A.
Protein change: p.Ser614Asn; replaces serine 614 with asparagine.
Molecular consequence: missense variant.
Genome position (GRCh38, 1-based): chr11:108,252,855, G>A. VCF-style: chr11-108252855-G-A. GRCh37 (hg19) VCF-style: chr11-108123582-G-A.
Other names: c.1841G>A, p.Ser614Asn (NM_001351834.2); short protein forms S614N.
Identifiers: ClinVar variation 2830690 (VCV002830690.3), dbSNP rs770377706, ClinGen allele CA382535830.

ClinVar aggregate classification (germline): Uncertain significance (1 of 4 stars; one submission).

Conditions:
Ataxia-telangiectasia syndrome (AT). Also called: LOUIS-BAR SYNDROME; Ataxia-telangiectasia, complementation group D; ATAXIA-TELANGIECTASIA, COMPLEMENTATION GROUP A; ATAXIA-TELANGIECTASIA, FRESNO VARIANT; Ataxia-telangiectasia; Ataxia telangiectasia (A-T). Identifiers: Orphanet 100, MedGen C0004135, MONDO:0008840, OMIM 208900.

gnomAD v4.1: 1 of 1,613,038 alleles (0.000062%); highest among the groups gnomAD compares: Non-Finnish European, 0.000085%; no homozygotes.

Submission:

Labcorp Genetics (formerly Invitae), Labcorp
Classification: Uncertain significance for Ataxia-telangiectasia syndrome. Last evaluated: 2023-01-20. Review status: criteria provided, single submitter. Criteria: Invitae Variant Classification Sherloc (09022015). Collection method: clinical testing. Allele origin: germline.
Comment: This sequence change replaces serine, which is neutral and polar, with asparagine, which is neutral and polar, at codon 614 of the ATM protein (p.Ser614Asn). This variant is not present in population databases (gnomAD no frequency). This variant has not been reported in the literature in individuals affected with ATM-related conditions. Algorithms developed to predict the effect of missense changes on protein structure and function are either unavailable or do not agree on the potential impact of this missense change (SIFT: "Deleterious"; PolyPhen-2: "Probably Damaging"; Align-GVGD: "Class C0"). In summary, the available evidence is currently insufficient to determine the role of this variant in disease. Therefore, it has been classified as a Variant of Uncertain Significance.